The following is an entry in ClinVar:

ClinVar aggregate classification (germline): Uncertain significance (1 of 4 stars; one submission).

Allele frequency attached by ClinVar (database versions not stated): ExAC 0.00001; gnomAD exomes 0.00001.
gnomAD v4.1: 3 of 1,614,170 alleles (0.00019%); highest among the groups gnomAD compares: Admixed American, 0.005%; no homozygotes.

Submission:

Labcorp Genetics (formerly Invitae), Labcorp
Classification: Uncertain significance. Last evaluated: 2022-02-27. Review status: criteria provided, single submitter. Criteria: Invitae Variant Classification Sherloc (09022015). Collection method: clinical testing. Allele origin: germline.
Comment: This sequence change replaces lysine, which is basic and polar, with asparagine, which is neutral and polar, at codon 342 of the IL2RB protein (p.Lys342Asn). This variant is present in population databases (rs776131925, gnomAD 0.009%). This variant has not been reported in the literature in individuals affected with IL2RB-related conditions. Algorithms developed to predict the effect of missense changes on protein structure and function (SIFT, PolyPhen-2, Align-GVGD) all suggest that this variant is likely to be tolerated. In summary, the available evidence is currently insufficient to determine the role of this variant in disease. Therefore, it has been classified as a Variant of Uncertain Significance.

NM_000878.5(IL2RB):c.1026G>C (p.Lys342Asn)

Gene: IL2RB (interleukin 2 receptor subunit beta; minus strand). Cytogenetic location: 22q12.3.
Variant type: single nucleotide variant.
Coding change: c.1026G>C on transcript NM_000878.5 (MANE Select); coding-DNA position 1026, G replaced by C.
Protein change: p.Lys342Asn; replaces lysine 342 with asparagine.
Molecular consequence: missense variant.
Genome position (GRCh38, 1-based): chr22:37,128,726, C>G on the plus strand (G>C on the coding strand, the complement: IL2RB is on the minus strand). VCF-style: chr22-37128726-C-G. GRCh37 (hg19) VCF-style: chr22-37524766-C-G.
Other names: c.1026G>C, p.Lys342Asn (NM_001346222.1, NM_001346223.2); short protein forms K342N.
Identifiers: ClinVar variation 2090816 (VCV002090816.1), dbSNP rs776131925, ClinGen allele CA10216439.